The following is an entry in ClinVar:

ClinVar aggregate classification (germline): Uncertain significance (1 of 4 stars; one submission).

Conditions:
Luscan-Lumish syndrome. Identifiers: Orphanet 597738, MedGen C4085873, MONDO:0014791, OMIM 616831.

Submission:

Labcorp Genetics (formerly Invitae), Labcorp
Classification: Uncertain significance for Luscan-Lumish syndrome. Last evaluated: 2018-09-26. Review status: criteria provided, single submitter. Criteria: Invitae Variant Classification Sherloc (09022015). Collection method: clinical testing. Allele origin: germline.
Comment: In summary, the available evidence is currently insufficient to determine the role of this variant in disease. Therefore, it has been classified as a Variant of Uncertain Significance. Algorithms developed to predict the effect of missense changes on protein structure and function are either unavailable or do not agree on the potential impact of this missense change (SIFT: "Tolerated"; PolyPhen-2: "Probably Damaging"; Align-GVGD: "Class C0"). This variant has not been reported in the literature in individuals with SETD2-related disease. This variant is not present in population databases (ExAC no frequency). This sequence change replaces leucine with valine at codon 1331 of the SETD2 protein (p.Leu1331Val). The leucine residue is highly conserved and there is a small physicochemical difference between leucine and valine.

NM_014159.7(SETD2):c.3991C>G (p.Leu1331Val)

Gene: SETD2 (SET domain containing 2, histone lysine methyltransferase; minus strand). Cytogenetic location: 3p21.31.
Variant type: single nucleotide variant.
Coding change: c.3991C>G on transcript NM_014159.7 (MANE Select); coding-DNA position 3991, C replaced by G.
Protein change: p.Leu1331Val; replaces leucine 1331 with valine.
Molecular consequence: missense variant. On other transcripts: non-coding transcript variant (1).
Genome position (GRCh38, 1-based): chr3:47,120,645, G>C on the plus strand (C>G on the coding strand, the complement: SETD2 is on the minus strand). VCF-style: chr3-47120645-G-C. GRCh37 (hg19) VCF-style: chr3-47162135-G-C.
Other names: c.3859C>G, p.Leu1287Val (NM_001349370.3); short protein forms L1331V, L1287V.
Identifiers: ClinVar variation 651735 (VCV000651735.5), dbSNP rs1575810676, ClinGen allele CA352519313.